The following is an entry in ClinVar:

ClinVar aggregate classification (germline): Likely benign (1 of 4 stars; one submission).

Allele frequency attached by ClinVar (database versions not stated): gnomAD 0.00873; 1000 Genomes Project 0.01058.

Submission:

GeneDx
Classification: Likely benign. Last evaluated: 2018-06-14. Review status: criteria provided, single submitter. Criteria: GeneDx Variant Classification (06012015). Collection method: clinical testing. Allele origin: germline. Affected: yes.
Comment: This variant is considered likely benign or benign based on one or more of the following criteria: it is a conservative change, it occurs at a poorly conserved position in the protein, it is predicted to be benign by multiple in silico algorithms, and/or has population frequency not consistent with disease.

NM_000071.3(CBS):c.1040-275G>A

Gene: CBS (cystathionine beta-synthase; minus strand). Cytogenetic location: 21q22.3.
Variant type: single nucleotide variant.
Coding change: c.1040-275G>A on transcript NM_000071.3 (MANE Select); 275 bases into the intron before coding-DNA position 1040, G replaced by A.
Molecular consequence: intron variant.
Genome position (GRCh38, 1-based): chr21:43,060,821, C>T on the plus strand (G>A on the coding strand, the complement: CBS is on the minus strand). VCF-style: chr21-43060821-C-T. GRCh37 (hg19) VCF-style: chr21-44480931-C-T.
Other names: c.1040-275G>A (NM_001320298.2, NM_001178009.3, NM_001178008.3); c.725-275G>A (NM_001321072.1).
Identifiers: ClinVar variation 669940 (VCV000669940.1), dbSNP rs115880859, ClinGen allele CA321690142.